The following is an entry in ClinVar:

NM_015213.4(DENND5A):c.1425G>C (p.Leu475Phe)

Gene: DENND5A (DENN domain containing 5A; minus strand). Cytogenetic location: 11p15.4.
Variant type: single nucleotide variant.
Coding change: c.1425G>C on transcript NM_015213.4 (MANE Select); coding-DNA position 1425, G replaced by C.
Protein change: p.Leu475Phe; replaces leucine 475 with phenylalanine.
Molecular consequence: missense variant. On other transcripts: non-coding transcript variant (1).
Genome position (GRCh38, 1-based): chr11:9,180,797, C>G on the plus strand (G>C on the coding strand, the complement: DENND5A is on the minus strand). VCF-style: chr11-9180797-C-G. GRCh37 (hg19) VCF-style: chr11-9202344-C-G.
Other names: c.1425G>C, p.Leu475Phe (NM_001243254.2, NM_001348748.1); c.1353G>C, p.Leu451Phe (NM_001348749.2); c.1137G>C, p.Leu379Phe (NM_001348750.2); short protein forms L379F, L475F, L451F.
Identifiers: ClinVar variation 1923418 (VCV001923418.5), dbSNP rs2493836964, ClinGen allele CA379616721.

ClinVar aggregate classification (germline): Uncertain significance (1 of 4 stars; one submission).

Allele frequency attached by ClinVar (database versions not stated): gnomAD exomes below 0.00001.
gnomAD v4.1: 2 of 1,614,122 alleles (0.00012%); highest among the groups gnomAD compares: East Asian, 0.0045%; no homozygotes.

Submission:

Labcorp Genetics (formerly Invitae), Labcorp
Classification: Uncertain significance. Last evaluated: 2022-04-29. Review status: criteria provided, single submitter. Criteria: Invitae Variant Classification Sherloc (09022015). Collection method: clinical testing. Allele origin: germline.
Comment: This variant has not been reported in the literature in individuals affected with DENND5A-related conditions. This sequence change replaces leucine, which is neutral and non-polar, with phenylalanine, which is neutral and non-polar, at codon 475 of the DENND5A protein (p.Leu475Phe). This variant is not present in population databases (gnomAD no frequency). Algorithms developed to predict the effect of missense changes on protein structure and function are either unavailable or do not agree on the potential impact of this missense change (SIFT: "Tolerated"; PolyPhen-2: "Probably Damaging"; Align-GVGD: "Class C0"). In summary, the available evidence is currently insufficient to determine the role of this variant in disease. Therefore, it has been classified as a Variant of Uncertain Significance.